The following is an entry in ClinVar:

NM_001283009.2(RTEL1):c.2071G>A (p.Val691Met)

Genes: RTEL1 (regulator of telomere elongation helicase 1; plus strand), RTEL1-TNFRSF6B (RTEL1-TNFRSF6B readthrough (NMD candidate); plus strand). Cytogenetic location: 20q13.33.
Variant type: single nucleotide variant.
Coding change: c.2071G>A on transcript NM_001283009.2 (MANE Select); coding-DNA position 2071, G replaced by A.
Protein change: p.Val691Met; replaces valine 691 with methionine.
Molecular consequence: missense variant. On other transcripts: non-coding transcript variant (1).
Genome position (GRCh38, 1-based): chr20:63,689,795, G>A. VCF-style: chr20-63689795-G-A. GRCh37 (hg19) VCF-style: chr20-62321148-G-A.
Other names: c.1402G>A, p.Val468Met (NM_001283010.1); c.2071G>A, p.Val691Met (NM_016434.4); c.2143G>A, p.Val715Met (NM_032957.5); short protein forms V691M, V715M, V468M.
Identifiers: ClinVar variation 3948350 (VCV003948350.1).

ClinVar aggregate classification (germline): Uncertain significance (1 of 4 stars; one submission).

Conditions:
Inborn genetic diseases. Identifiers: MedGen C0950123, MeSH D030342.

Submission:

Ambry Genetics
Classification: Uncertain significance for Inborn genetic diseases. Last evaluated: 2025-04-21. Review status: criteria provided, single submitter. Criteria: Ambry Variant Classification Scheme 2023. Collection method: clinical testing. Allele origin: germline.
Comment: The p.V691M variant (also known as c.2071G>A), located in coding exon 23 of the RTEL1 gene, results from a G to A substitution at nucleotide position 2071. The valine at codon 691 is replaced by methionine, an amino acid with highly similar properties. This amino acid position is conserved. In addition, this alteration is predicted to be deleterious by in silico analysis. Based on the available evidence, the clinical significance of this variant remains unclear.